The following is an entry in ClinVar:

NM_000304.4(PMP22):c.52CTG[1] (p.Leu19del)

Gene: PMP22 (peripheral myelin protein 22; minus strand). Cytogenetic location: 17p12.
Variant type: Microsatellite.
Coding change: c.52CTG[1] on transcript NM_000304.4 (MANE Select); one copy of the 3-base unit CTG starting at c.52; the reference has two copies in a row; one copy, 3 bases deleted.
Protein change: p.Leu19del; deletes leucine 19.
Molecular consequence: inframe deletion.
Genome position (GRCh38, 1-based): chr17:15,260,671-15,260,673, CAG deleted on the plus strand (CTG on the coding strand, the reverse complement: PMP22 is on the minus strand); deleting any 3 consecutive bases within chr17:15,260,671-15,260,678 gives the same sequence; the position shown is the placement nearest the transcript's 3' end. VCF-style (leftmost placement, unchanged base first): chr17-15260670-ACAG-A. GRCh37 (hg19) VCF-style: chr17-15163987-ACAG-A.
Other names: c.52CTG[1], p.Leu19del (NM_001281455.2, NM_001281456.2, NM_001330143.2 and 2 more transcripts); short protein forms L19del.
Identifiers: ClinVar variation 1462229 (VCV001462229.8), dbSNP rs2150710120, ClinGen allele CA2580614012.

ClinVar aggregate classification (germline): Uncertain significance (1 of 4 stars; one submission).

Conditions:
Charcot-Marie-Tooth disease, type I (CMT1). Also called: Charcot-Marie-Tooth, Type 1; Charcot-Marie-Tooth disease type 1. Identifiers: Orphanet 65753, MedGen C0751036, MONDO:0019011.

Submission:

Labcorp Genetics (formerly Invitae), Labcorp
Classification: Uncertain significance for Charcot-Marie-Tooth disease, type I. Last evaluated: 2020-10-30. Review status: criteria provided, single submitter. Criteria: Invitae Variant Classification Sherloc (09022015). Collection method: clinical testing. Allele origin: germline.
Comment: In summary, the available evidence is currently insufficient to determine the role of this variant in disease. Therefore, it has been classified as a Variant of Uncertain Significance. Experimental studies and prediction algorithms are not available or were not evaluated, and the functional significance of this variant is currently unknown. This variant has been observed in individual(s) with Charcot-Marie-Tooth disease (Invitae). This variant is not present in population databases (ExAC no frequency). This variant, c.55_57del, results in the deletion of 1 amino acid(s) of the PMP22 protein (p.Leu19del), but otherwise preserves the integrity of the reading frame.